The following is an entry in ClinVar:

ClinVar aggregate classification (germline): Uncertain significance (1 of 4 stars; one submission).

gnomAD v4.1: 2 of 1,614,080 alleles (0.00012%); highest among the groups gnomAD compares: Admixed American, 0.0033%; no homozygotes.

Submission:

Labcorp Genetics (formerly Invitae), Labcorp
Classification: Uncertain significance. Last evaluated: 2023-07-28. Review status: criteria provided, single submitter. Criteria: Invitae Variant Classification Sherloc (09022015). Collection method: clinical testing. Allele origin: germline.
Comment: An algorithm developed to predict the effect of missense changes on protein structure and function (PolyPhen-2) suggests that this variant is likely to be tolerated. This sequence change replaces glutamine, which is neutral and polar, with arginine, which is basic and polar, at codon 1868 of the ANK1 protein (p.Gln1868Arg). This variant is present in population databases (rs770130197, gnomAD 0.003%). This variant has not been reported in the literature in individuals affected with ANK1-related conditions. In summary, the available evidence is currently insufficient to determine the role of this variant in disease. Therefore, it has been classified as a Variant of Uncertain Significance.

NM_000037.4(ANK1):c.5603A>G (p.Gln1868Arg)

Gene: ANK1 (ankyrin 1; minus strand). Cytogenetic location: 8p11.21.
Variant type: single nucleotide variant.
Coding change: c.5603A>G on transcript NM_000037.4 (MANE Select); coding-DNA position 5603, A replaced by G.
Protein change: p.Gln1868Arg; replaces glutamine 1868 with arginine.
Molecular consequence: missense variant. On other transcripts: intron variant (6).
Genome position (GRCh38, 1-based): chr8:41,661,506, T>C on the plus strand (A>G on the coding strand, the complement: ANK1 is on the minus strand). VCF-style: chr8-41661506-T-C. GRCh37 (hg19) VCF-style: chr8-41519024-T-C.
Other names: c.303+2153A>G (NM_020480.5); c.444+295A>G (NM_001142445.2); c.428A>G, p.Gln143Arg (NM_020478.5); c.5667+370A>G (NM_001142446.2); c.5133+295A>G (NM_020477.3); c.5544+370A>G (NM_020475.3); c.5619+295A>G (NM_020476.3); short protein forms Q1868R, Q143R.
Identifiers: ClinVar variation 2744037 (VCV002744037.3), dbSNP rs770130197, ClinGen allele CA4727061.
Genomic context (GRCh38, chr8:41,661,506, plus strand): 5'-CCAAGGAGAGCGGCTCGGGGTCACTGTTTCCCCCTTTTCAGGCTGGCCCGCTTCACTATC[T>C]GCGCCCCCTTCCTGCCCTCTATCAGGTCCGGCTGTAGGCCACTCCCTCTCAGCTCCACCT-3'
Protein context (NP_000028.3, residues 1858-1878): PDLIEGRKGA[Gln1868Arg]IVKRASLKRG